The following is an entry in ClinVar:

ClinVar aggregate classification (germline): Uncertain significance (1 of 4 stars; one submission).

Conditions:
TUB-related disorder. Also called: TUB-related condition.

gnomAD v4.1: 1 of 1,614,082 alleles (0.000062%); highest among the groups gnomAD compares: African/African-American, 0.0013%; no homozygotes.

Submission:

PreventionGenetics, part of Exact Sciences
Classification: Uncertain significance for TUB-related condition. Last evaluated: 2025-10-06. Review status: criteria provided, single submitter. Criteria: ACMG Guidelines, 2015. Collection method: clinical testing. Allele origin: germline.
Comment: The TUB c.892C>T variant is predicted to result in the amino acid substitution p.Pro298Ser. To our knowledge, this variant has not been reported in the literature or in a large population database (gnomAD), indicating this variant is rare. At this time, the clinical significance of this variant is uncertain due to the absence of conclusive functional and genetic evidence.

NM_177972.3(TUB):c.727C>T (p.Pro243Ser)

Genes: RIC3 (RIC3 acetylcholine receptor chaperone; minus strand), TUB (TUB bipartite transcription factor; plus strand). Cytogenetic location: 11p15.4.
Variant type: single nucleotide variant.
Coding change: c.727C>T on transcript NM_177972.3 (MANE Select); coding-DNA position 727, C replaced by T.
Protein change: p.Pro243Ser; replaces proline 243 with serine.
Molecular consequence: missense variant.
Genome position (GRCh38, 1-based): chr11:8,097,267, C>T. VCF-style: chr11-8097267-C-T. GRCh37 (hg19) VCF-style: chr11-8118814-C-T.
Other names: c.745C>T, p.Pro249Ser (NM_001440538.1, NM_001440539.1); c.577C>T, p.Pro193Ser (NM_001440540.1, NM_001440542.1); c.559C>T, p.Pro187Ser (NM_001440541.1); c.892C>T, p.Pro298Ser (NM_003320.5); short protein forms P193S, P243S, P249S, P187S, P298S.
Identifiers: ClinVar variation 4988639 (VCV004988639.1).